The following is an entry in ClinVar:

NM_138694.4(PKHD1):c.8102_8107+8del

Gene: PKHD1 (PKHD1 ciliary IPT domain containing fibrocystin/polyductin; minus strand). Cytogenetic location: 6p12.2.
Variant type: Deletion.
Coding change: c.8102_8107+8del on transcript NM_138694.4 (MANE Select); coding-DNA position 8102 through 8 bases into the intron after coding-DNA position 8107, 14 bases deleted (ATCTGGGTAAGTAT).
Molecular consequence: splice donor variant.
Genome position (GRCh38, 1-based): chr6:51,847,767-51,847,780, ATACTTACCCAGAT deleted on the plus strand (ATCTGGGTAAGTAT on the coding strand, the reverse complement: PKHD1 is on the minus strand); deleting any 14 consecutive bases within chr6:51,847,767-51,847,781 gives the same sequence; the c. name uses the placement nearest the transcript's 3' end. VCF-style (leftmost placement, unchanged base first): chr6-51847766-GATACTTACCCAGAT-G. GRCh37 (hg19) VCF-style: chr6-51712564-GATACTTACCCAGAT-G.
Other names: c.8102_8107+8del (NM_170724.3).
Identifiers: ClinVar variation 1067996 (VCV001067996.7), dbSNP rs2151627285, ClinGen allele CA2499218349.

ClinVar aggregate classification (germline): Likely pathogenic (1 of 4 stars; one submission).

Conditions:
Autosomal recessive polycystic kidney disease (ARPKD). Also called: AR polycystic kidney disease. Identifiers: Orphanet 731, Orphanet 8378, MedGen C0085548, MeSH D017044, MONDO:0009889.

Submission:

Labcorp Genetics (formerly Invitae), Labcorp
Classification: Likely pathogenic for Autosomal recessive polycystic kidney disease. Last evaluated: 2020-09-24. Review status: criteria provided, single submitter. Criteria: Invitae Variant Classification Sherloc (09022015). Collection method: clinical testing. Allele origin: germline.
Comment: In summary, the currently available evidence indicates that the variant is pathogenic, but additional data are needed to prove that conclusively. Therefore, this variant has been classified as Likely Pathogenic. Loss-of-function variants in PKHD1 are known to be pathogenic (PMID: 19940839). Algorithms developed to predict the effect of sequence changes on RNA splicing suggest that this variant may disrupt the consensus splice site, but this prediction has not been confirmed by published transcriptional studies. This variant has not been reported in the literature in individuals with PKHD1-related conditions. This variant is not present in population databases (ExAC no frequency). This variant results in the deletion of part of exon 50 (c.8102_8107+8del) of the PKHD1 gene. It is expected to disrupt RNA splicing and likely results in an absent or disrupted protein product.

Literature cited by the submitters: PubMed 19940839.